The following is an entry in ClinVar:

ClinVar aggregate classification (germline): Uncertain significance (1 of 4 stars; one submission).

gnomAD v4.1: 1 of 1,611,416 alleles (0.000062%); highest among the groups gnomAD compares: Non-Finnish European, 0.000085%; no homozygotes.

Submission:

Women's Health and Genetics/Laboratory Corporation of America, LabCorp
Classification: Uncertain significance. Last evaluated: 2025-12-09. Review status: criteria provided, single submitter. Criteria: LabCorp Variant Classification Summary - May 2015. Collection method: clinical testing. Allele origin: germline.
Comment: Variant summary: CPA6 c.691T>C (p.Tyr231His) results in a conservative amino acid change in the encoded protein sequence. Algorithms developed to predict the effect of missense changes on protein structure and function all suggest that this variant is likely to be tolerated. The variant was absent in 250972 control chromosomes. The available data on variant occurrences in the general population are insufficient to allow any conclusion about variant significance. To our knowledge, no occurrence of c.691T>C in individuals affected with CPA6-related conditions and no experimental evidence demonstrating its impact on protein function have been reported. No submitters have cited clinical-significance assessments for this variant to ClinVar. Based on the evidence outlined above, the variant was classified as uncertain significance.

NM_020361.5(CPA6):c.691T>C (p.Tyr231His)

Genes: ARFGEF1-DT (ARFGEF1 divergent transcript; plus strand), CPA6 (carboxypeptidase A6; minus strand). Cytogenetic location: 8q13.2.
Variant type: single nucleotide variant.
Coding change: c.691T>C on transcript NM_020361.5 (MANE Select); coding-DNA position 691, T replaced by C.
Protein change: p.Tyr231His; replaces tyrosine 231 with histidine.
Molecular consequence: missense variant.
Genome position (GRCh38, 1-based): chr8:67,484,735, A>G on the plus strand (T>C on the coding strand, the complement: CPA6 is on the minus strand). VCF-style: chr8-67484735-A-G. GRCh37 (hg19) VCF-style: chr8-68396970-A-G.
Other names: short protein forms Y231H.
Identifiers: ClinVar variation 4688445 (VCV004688445.1).
Genomic context (GRCh38, chr8:67,484,735, plus strand): 5'-TTACATTGGTCCAACTAAAATGGTATCCATCGACGTTAAACACAGGCATGATATAGAAAT[A>G]TAGATGATTCAACATTTTTCTCATGGCTGGGTCACTCTTATATGTTAGAAGAGCCTAAAA-3'
Protein context (NP_065094.3, residues 221-241): PAMRKMLNHL[Tyr231His]FYIMPVFNVD